The following is an entry in ClinVar:

NM_152703.5(SAMD9L):c.3974A>C (p.Glu1325Ala)

Gene: SAMD9L (sterile alpha motif domain containing 9 like; minus strand). Cytogenetic location: 7q21.2.
Variant type: single nucleotide variant.
Coding change: c.3974A>C on transcript NM_152703.5 (MANE Select); coding-DNA position 3974, A replaced by C.
Protein change: p.Glu1325Ala; replaces glutamic acid 1325 with alanine.
Molecular consequence: missense variant.
Genome position (GRCh38, 1-based): chr7:93,131,998, T>G on the plus strand (A>C on the coding strand, the complement: SAMD9L is on the minus strand). VCF-style: chr7-93131998-T-G. GRCh37 (hg19) VCF-style: chr7-92761311-T-G.
Other names: c.3974A>C, p.Glu1325Ala (NM_001303496.3, NM_001303497.3, NM_001303498.3 and 5 more transcripts); short protein forms E1325A.
Identifiers: ClinVar variation 3792395 (VCV003792395.1).

ClinVar aggregate classification (germline): Uncertain significance (1 of 4 stars; one submission).

Conditions:
Inborn genetic diseases. Identifiers: MedGen C0950123, MeSH D030342.

Submission:

Ambry Genetics
Classification: Uncertain significance for Inborn genetic diseases. Last evaluated: 2025-02-05. Review status: criteria provided, single submitter. Criteria: Ambry Variant Classification Scheme 2023. Collection method: clinical testing. Allele origin: germline.
Comment: The p.E1325A variant (also known as c.3974A>C), located in coding exon 1 of the SAMD9L gene, results from an A to C substitution at nucleotide position 3974. The glutamic acid at codon 1325 is replaced by alanine, an amino acid with dissimilar properties. This amino acid position is conserved. In addition, this alteration is predicted to be tolerated by in silico analysis. Based on the available evidence, the clinical significance of this variant remains unclear.